The following is an entry in ClinVar:

NM_003482.4(KMT2D):c.4963G>T (p.Gly1655Cys)

Gene: KMT2D (lysine methyltransferase 2D; minus strand). Cytogenetic location: 12q13.12.
Variant type: single nucleotide variant.
Coding change: c.4963G>T on transcript NM_003482.4 (MANE Select); coding-DNA position 4963, G replaced by T.
Protein change: p.Gly1655Cys; replaces glycine 1655 with cysteine.
Molecular consequence: missense variant.
Genome position (GRCh38, 1-based): chr12:49,044,744, C>A on the plus strand (G>T on the coding strand, the complement: KMT2D is on the minus strand). VCF-style: chr12-49044744-C-A. GRCh37 (hg19) VCF-style: chr12-49438527-C-A.
Other names: short protein forms G1655C.
Identifiers: ClinVar variation 2915981 (VCV002915981.3), dbSNP rs1943705839, ClinGen allele CA384639188.

ClinVar aggregate classification (germline): Uncertain significance (1 of 4 stars; one submission).

Conditions:
Kabuki syndrome. Also called: NIIKAWA-KUROKI SYNDROME; Kabuki make-up syndrome. Identifiers: Orphanet 2322, MedGen C0796004, MONDO:0016512.

Allele frequency attached by ClinVar (database versions not stated): gnomAD exomes below 0.00001; gnomAD 0.00001; TOPMed 0.00002.
gnomAD v4.1: 2 of 1,611,038 alleles (0.00012%); highest among the groups gnomAD compares: Admixed American, 0.0017%; no homozygotes.

Submission:

Labcorp Genetics (formerly Invitae), Labcorp
Classification: Uncertain significance for Kabuki syndrome. Last evaluated: 2023-07-31. Review status: criteria provided, single submitter. Criteria: Invitae Variant Classification Sherloc (09022015). Collection method: clinical testing. Allele origin: germline.
Comment: In summary, the available evidence is currently insufficient to determine the role of this variant in disease. Therefore, it has been classified as a Variant of Uncertain Significance. Variants that disrupt the consensus splice site are a relatively common cause of aberrant splicing (PMID: 17576681, 9536098). Algorithms developed to predict the effect of sequence changes on RNA splicing suggest that this variant may disrupt the consensus splice site. An algorithm developed to predict the effect of missense changes on protein structure and function (PolyPhen-2) suggests that this variant is likely to be tolerated. This variant has not been reported in the literature in individuals affected with KMT2D-related conditions. This variant is not present in population databases (gnomAD no frequency). This sequence change replaces glycine, which is neutral and non-polar, with cysteine, which is neutral and slightly polar, at codon 1655 of the KMT2D protein (p.Gly1655Cys). This variant also falls at the last nucleotide of exon 19, which is part of the consensus splice site for this exon.

Literature cited by the submitters: PubMed 17576681; PubMed 9536098.